The following is an entry in ClinVar:

ClinVar aggregate classification (germline): Pathogenic (1 of 4 stars; one submission).

Conditions:
Genitopatellar syndrome (GTPTS). Also called: Genitopatellar syndrome (GPS); ABSENT PATELLAE, SCROTAL HYPOPLASIA, RENAL ANOMALIES, FACIAL DYSMORPHISM, AND MENTAL RETARDATION. Identifiers: Orphanet 85201, MedGen C1853566, MONDO:0011640, OMIM 606170.

Submission:

Prenatal Diagnosis Centre, Third Affiliated Hospital of Sun Yat-sen University
Classification: Pathogenic for Genitopatellar syndrome. Last evaluated: 2024-06-07. Review status: criteria provided, single submitter. Criteria: ACMG Guidelines, 2015. Collection method: clinical testing. Allele origin: de novo. Inheritance: Autosomal dominant inheritance. Affected: yes. Observed: 1 heterozygote.
Comment: The Tyr1274Ter variant in the KAT6B gene is a nonsense variant，and is predicted to convert a tyrosine residue into a stop codon, resulting in premature termination of translation and production of a truncated protein. It is absent in the general population as evidenced by the absence in the 1000 Genomes and gnomAD databases. And this variant was not detected in the parents, implicating it is a de novo mutation. According to the ACMG guidelines, this variant meets criteria of PVS1, PS2_moderate, and PM2_supporting, and is classified as pathogenic.

NM_012330.4(KAT6B):c.3822C>G (p.Tyr1274Ter)

Gene: KAT6B (lysine acetyltransferase 6B; plus strand). Cytogenetic location: 10q22.2.
Variant type: single nucleotide variant.
Coding change: c.3822C>G on transcript NM_012330.4 (MANE Select); coding-DNA position 3822, C replaced by G.
Protein change: p.Tyr1274Ter; replaces tyrosine 1274 with a stop codon.
Molecular consequence: nonsense.
Genome position (GRCh38, 1-based): chr10:75,028,646, C>G. VCF-style: chr10-75028646-C-G. GRCh37 (hg19) VCF-style: chr10-76788404-C-G.
Other names: c.3273C>G, p.Tyr1091Ter (NM_001256468.2, NM_001370138.1); c.2946C>G, p.Tyr982Ter (NM_001256469.2, NM_001370139.1, NM_001370140.1 and 2 more transcripts); c.2784C>G, p.Tyr928Ter (NM_001370132.1); c.2133C>G, p.Tyr711Ter (NM_001370133.1); c.1737C>G, p.Tyr579Ter (NM_001370134.1); c.1479C>G, p.Tyr493Ter (NM_001370135.1); c.3822C>G, p.Tyr1274Ter (NM_001370136.1, NM_001370137.1); c.2757C>G, p.Tyr919Ter (NM_001370143.1, NM_001370144.1); short protein forms Y1091*, Y1274*, Y493*, Y579*, Y711*, Y919*, Y928*, Y982*.
Identifiers: ClinVar variation 3242223 (VCV003242223.2), dbSNP rs2549197648.